The following is an entry in ClinVar:

ClinVar aggregate classification (germline): Uncertain significance (1 of 4 stars; one submission).

Submission:

GeneDx
Classification: Uncertain significance. Last evaluated: 2025-07-10. Review status: criteria provided, single submitter. Criteria: GeneDx Variant Classification Process June 2021. Collection method: clinical testing. Allele origin: germline. Affected: yes.
Comment: Not observed at significant frequency in large population cohorts (gnomAD); In silico analysis supports that this missense variant has a deleterious effect on protein structure/function; Has not been previously published as pathogenic or benign to our knowledge

NM_002087.4(GRN):c.1724G>C (p.Arg575Thr)

Gene: GRN (granulin precursor; plus strand). Cytogenetic location: 17q21.31.
Variant type: single nucleotide variant.
Coding change: c.1724G>C on transcript NM_002087.4 (MANE Select); coding-DNA position 1724, G replaced by C.
Protein change: p.Arg575Thr; replaces arginine 575 with threonine.
Molecular consequence: missense variant.
Genome position (GRCh38, 1-based): chr17:44,352,740, G>C. VCF-style: chr17-44352740-G-C. GRCh37 (hg19) VCF-style: chr17-42430108-G-C.
Other names: short protein forms R575T.
Identifiers: ClinVar variation 4685376 (VCV004685376.1).